The following is an entry in ClinVar:

NM_000559.3(HBG1):c.*6del

Gene: HBG1 (hemoglobin subunit gamma 1; minus strand). Cytogenetic location: 11p15.4.
Variant type: Deletion.
Coding change: c.*6del on transcript NM_000559.3 (MANE Select); 6 bases downstream of the stop codon, one base deleted (C; older notation c.*6delC).
Molecular consequence: 3 prime UTR variant.
Genome position (GRCh38, 1-based): chr11:5,248,353, G deleted on the plus strand (C on the coding strand, the reverse complement: HBG1 is on the minus strand). VCF-style (leftmost placement, unchanged base first): chr11-5248352-AG-A. GRCh37 (hg19) VCF-style: chr11-5269582-AG-A.
Identifiers: ClinVar variation 3060285 (VCV003060285.2), dbSNP rs757054403, ClinGen allele CA5840102.
Genomic context (GRCh38, chr11:5,248,352, plus strand): 5'-ATTTATTATTTGTATTGCTTGCAGAATAAAGCCTATCCTTGAAAGCTCTGAATCATGGGC[AG>A]TGAGCTCAGTGGTATCTGGAGGACAGGGCACTGGCCACTGCAGTCACCATCTTCTGCCAG-3'

ClinVar aggregate classification (germline): Benign (0 of 4 stars; one submission).

Conditions:
HBG1-related disorder. Also called: HBG1-related condition.

Allele frequency attached by ClinVar (database versions not stated): ExAC 0.62349; gnomAD 0.82236; 1000 Genomes Project 30x 0.85931.

Submission:

PreventionGenetics, part of Exact Sciences
Classification: Benign for HBG1-related condition. Last evaluated: 2019-10-31. Review status: no assertion criteria provided. Collection method: clinical testing. Allele origin: germline.
Comment: This variant is classified as benign based on ACMG/AMP sequence variant interpretation guidelines (Richards et al. 2015 PMID: 25741868, with internal and published modifications).